The following is an entry in ClinVar:

ClinVar aggregate classification (germline): Benign/Likely benign. Review status: criteria provided, multiple submitters, no conflicts (2 of 4 stars). 4 submissions from 4 submitters: Benign (1); Likely benign (3). Last evaluated 2024-11-25.

Conditions:
Wolfram syndrome 1 (WFS1). Identifiers: Orphanet 3463, MedGen C4551693, MONDO:0009101, OMIM 222300.

Allele frequency attached by ClinVar (database versions not stated): ESP Exome Variant Server 0.00015; 1000 Genomes Project 30x 0.00031; 1000 Genomes Project 0.00040.
gnomAD v4.1: 59 of 1,613,108 alleles (0.0037%); highest among the groups gnomAD compares: Middle Eastern, 0.016%; no homozygotes.

Submissions (4):

Labcorp Genetics (formerly Invitae), Labcorp
Classification: Likely benign. Last evaluated: 2024-11-25. Review status: criteria provided, single submitter. Criteria: Invitae Variant Classification Sherloc (09022015). Collection method: clinical testing. Allele origin: germline.

Blueprint Genetics
Classification: Likely benign. Last evaluated: 2024-10-21. Review status: criteria provided, single submitter. Criteria: ACMG Guidelines, 2015. Collection method: clinical testing. Allele origin: germline.

Breakthrough Genomics
Classification: Likely benign. Review status: criteria provided, single submitter. Criteria: ACMG Guidelines, 2015. Collection method: not provided. Allele origin: germline. Inheritance: Autosomal recessive inheritance. Affected: yes.

Clinical Genomics, Uppaluri K&H Personalized Medicine Clinic
Classification: Benign for Wolfram syndrome 1. Review status: criteria provided, single submitter. Criteria: K & H Uppaluri Personalized Medicine Clinic Variant Classification & Assertion Criteria_Updated V.1. Collection method: research. Allele origin: unknown. Inheritance: Autosomal recessive inheritance.
Comment: Potent mutations in WFS1 gene are associated with Wolfram's syndrome, an autosomal recessive condition, which cause diabetes mellitus, diabetes insipidus, deafness and optic atrophy. However no sufficient evidence is found to ascertain the role of this particular variant rs142469572 in Wolfram's syndrome yet.

Literature cited by the submitters: PubMed 20738327 (cited by Clinical Genomics, Uppaluri K&H Personalized Medicine Clinic); PubMed 33879153 (cited by Clinical Genomics, Uppaluri K&H Personalized Medicine Clinic); PubMed 12955714 (cited by Clinical Genomics, Uppaluri K&H Personalized Medicine Clinic); PubMed 18060660 (cited by Clinical Genomics, Uppaluri K&H Personalized Medicine Clinic); PubMed 20301750 (cited by Clinical Genomics, Uppaluri K&H Personalized Medicine Clinic); PubMed 17603484 (cited by Clinical Genomics, Uppaluri K&H Personalized Medicine Clinic).

NM_006005.3(WFS1):c.2595C>T (p.His865=)

Gene: WFS1 (wolframin ER transmembrane glycoprotein; plus strand). Cytogenetic location: 4p16.1.
Variant type: single nucleotide variant.
Coding change: c.2595C>T on transcript NM_006005.3 (MANE Select); coding-DNA position 2595, C replaced by T.
Protein change: p.His865=; no amino-acid change (histidine 865 retained).
Molecular consequence: synonymous variant.
Genome position (GRCh38, 1-based): chr4:6,302,390, C>T. VCF-style: chr4-6302390-C-T. GRCh37 (hg19) VCF-style: chr4-6304117-C-T.
Other names: c.2595C>T, p.His865= (NM_001145853.1).
Identifiers: ClinVar variation 1552207 (VCV001552207.10), dbSNP rs142469572, ClinGen allele CA2839796.
Genomic context (GRCh38, chr4:6,302,390, plus strand): 5'-CAGCTGCCTCAACTGCATGGCCCAGCTCTCACCCACCAGGCGGCACGTGAAGATCGAGCA[C>T]GACTGGCGCAGCACCGTGCATGGCGCCGTGAAGTTCGCCTTCGACTTCTTTTTCTTCCCA-3'
Protein context (NP_005996.2, residues 855-875): SPTRRHVKIE[His865=]DWRSTVHGAV